The following is an entry in ClinVar:

NM_000232.5(SGCB):c.14C>T (p.Ala5Val)

Genes: SGCB (sarcoglycan beta; minus strand), LOC129992585 (ATAC-STARR-seq lymphoblastoid silent region 15421; plus strand). Cytogenetic location: 4q12.
Variant type: single nucleotide variant.
Coding change: c.14C>T on transcript NM_000232.5 (MANE Select); coding-DNA position 14, C replaced by T.
Protein change: p.Ala5Val; replaces alanine 5 with valine.
Molecular consequence: missense variant.
Genome position (GRCh38, 1-based): chr4:52,038,246, G>A on the plus strand (C>T on the coding strand, the complement: SGCB is on the minus strand). VCF-style: chr4-52038246-G-A. GRCh37 (hg19) VCF-style: chr4-52904412-G-A.
Other names: short protein forms A5V.
Identifiers: ClinVar variation 1351086 (VCV001351086.5), dbSNP rs886158091, ClinGen allele CA356878703.
Genomic context (GRCh38, chr4:52,038,246, plus strand): 5'-CCCCGCTCCTCCAGCCCGCGGCCGCGGCGGTACTCACAGACCTGTTCTGCAGCCGCCGCC[G>A]CCGCTGCCGCCATCTTCCCGCGCCCGCCGCCGCCGAGCTCCCCGCCCGACTGTGCCCGCC-3'
Protein context (NP_000223.1, residues 1-15): MAAA[Ala5Val]AAAAEQQSSN

ClinVar aggregate classification (germline): Uncertain significance (1 of 4 stars; one submission).

Conditions:
Autosomal recessive limb-girdle muscular dystrophy type 2E (LGMDR4). Also called: MUSCULAR DYSTROPHY, LIMB-GIRDLE, AUTOSOMAL RECESSIVE 4. Identifiers: Orphanet 119, MedGen C1858593, MONDO:0011423, OMIM 604286. Disease mechanism: Affects gamma-sarcoglycan and also disrupts the integrity of the entire sarcoglycan complex..

gnomAD v4.1: 4 of 1,292,930 alleles (0.00031%); highest among the groups gnomAD compares: East Asian, 0.0066%; no homozygotes.

Submission:

Labcorp Genetics (formerly Invitae), Labcorp
Classification: Uncertain significance for Autosomal recessive limb-girdle muscular dystrophy type 2E. Last evaluated: 2022-06-20. Review status: criteria provided, single submitter. Criteria: Invitae Variant Classification Sherloc (09022015). Collection method: clinical testing. Allele origin: germline.
Comment: This sequence change replaces alanine, which is neutral and non-polar, with valine, which is neutral and non-polar, at codon 5 of the SGCB protein (p.Ala5Val). This variant is not present in population databases (gnomAD no frequency). This variant has not been reported in the literature in individuals affected with SGCB-related conditions. Algorithms developed to predict the effect of missense changes on protein structure and function are either unavailable or do not agree on the potential impact of this missense change (SIFT: "Tolerated"; PolyPhen-2: "Not Available"; Align-GVGD: "Class C0"). In summary, the available evidence is currently insufficient to determine the role of this variant in disease. Therefore, it has been classified as a Variant of Uncertain Significance.